The following is an entry in ClinVar:

NM_001385001.1(MCTP2):c.1663G>T (p.Glu555Ter)

Gene: MCTP2 (multiple C2 and transmembrane domain containing 2; plus strand). Cytogenetic location: 15q26.2.
Variant type: single nucleotide variant.
Coding change: c.1663G>T on transcript NM_001385001.1 (MANE Select); coding-DNA position 1663, G replaced by T.
Protein change: p.Glu555Ter; replaces glutamic acid 555 with a stop codon.
Molecular consequence: nonsense. On other transcripts: non-coding transcript variant (7).
Genome position (GRCh38, 1-based): chr15:94,384,102, G>T. VCF-style: chr15-94384102-G-T. GRCh37 (hg19) VCF-style: chr15-94927331-G-T.
Other names: c.1663G>T, p.Glu555Ter (NM_001159643.2, NM_001385002.1, NM_001385003.1 and 5 more transcripts); c.427G>T, p.Glu143Ter (NM_001159644.2); c.1381G>T, p.Glu461Ter (NM_001385007.1); c.1165G>T, p.Glu389Ter (NM_001385009.1, NM_001385010.1); c.1345G>T, p.Glu449Ter (NM_001385011.1); short protein forms E143*, E449*, E389*, E461*, E555*.
Identifiers: ClinVar variation 4990754 (VCV004990754.1).
Genomic context (GRCh38, chr15:94,384,102, plus strand): 5'-TTGTTGGAGTTAGGCAATGACCGACTTCAGACGCATACCGTCTACAAAAACCTCAACCCT[G>T]AATGGAACAAAGTTTTTACATTGTAAGTGCTTTAGCCTCTGGAATTATTTCTGCTGTGCT-3'

ClinVar aggregate classification (germline): Uncertain significance (1 of 4 stars; one submission).

Conditions:
MCTP2-related disorder. Also called: MCTP2-related condition.

gnomAD v4.1: 1 of 1,613,498 alleles (0.000062%); highest among the groups gnomAD compares: Non-Finnish European, 0.000085%; no homozygotes.

Submission:

PreventionGenetics, part of Exact Sciences
Classification: Uncertain significance for MCTP2-related condition. Last evaluated: 2026-04-04. Review status: criteria provided, single submitter. Criteria: ACMG Guidelines, 2015. Collection method: clinical testing. Allele origin: germline.
Comment: The MCTP2 c.1663G>T variant is predicted to result in premature protein termination (p.Glu555*). To our knowledge, this variant has not been reported in the literature or in a large population database (gnomAD), indicating this variant is rare. Loss of function is not an established mechanism of MCTP2-related disease. At this time, the clinical significance of this variant is uncertain due to the absence of conclusive functional and genetic evidence.